The following is an entry in ClinVar:

NM_014363.6(SACS):c.7844del (p.Asn2615fs)

Gene: SACS (sacsin molecular chaperone; minus strand). Cytogenetic location: 13q12.12.
Variant type: Deletion.
Coding change: c.7844del on transcript NM_014363.6 (MANE Select); coding-DNA position 7844, one base deleted (A; older notation c.7844delA).
Protein change: p.Asn2615fs; shifts the reading frame from asparagine 2615.
Molecular consequence: frameshift variant.
Genome position (GRCh38, 1-based): chr13:23,336,032, T deleted on the plus strand (A on the coding strand, the reverse complement: SACS is on the minus strand); the first of 3 consecutive T bases (chr13:23,336,032-23,336,034); deleting any one gives the same sequence. VCF-style (leftmost placement, unchanged base first): chr13-23336031-AT-A. GRCh37 (hg19) VCF-style: chr13-23910170-AT-A.
Other names: c.7403del, p.Asn2468fs (NM_001278055.2); c.7844delA (NM_014363.5); short protein forms N2615fs, N2468fs.
Identifiers: ClinVar variation 371485 (VCV000371485.15), dbSNP rs758572409, ClinGen allele CA6910857.

ClinVar aggregate classification (germline): Pathogenic/Likely pathogenic. Review status: criteria provided, multiple submitters, no conflicts (2 of 4 stars). 4 submissions from 4 submitters: Pathogenic (1); Likely pathogenic (2). 1 of the submissions does not count toward it. Last evaluated 2025-12-17.

Conditions:
Spastic paraplegia. Identifiers: MedGen C0037772, HP:0001258.
Charlevoix-Saguenay spastic ataxia (SACS). Also called: Spastic ataxia of Charlevoix-Saguenay; SPASTIC ATAXIA 6, AUTOSOMAL RECESSIVE; AUTOSOMAL RECESSIVE SPASTIC ATAXIA OF CHARLEVOIX-SAGUENAY. Identifiers: Orphanet 98, MedGen C1849140, MONDO:0010041, OMIM 270550.

Submissions (4):

Natera, Inc.
Classification: Likely pathogenic for Charlevoix-Saguenay type spastic ataxia. Last evaluated: 2025-12-17. Review status: criteria provided, single submitter. Criteria: Natera Variant Classification Schema (03/2026). Collection method: clinical testing. Allele origin: germline.
Comment: The c.7844delA variant in SACS is a frameshift variant predicted to shift the reading frame beginning at codon 2615 and leads to a stop codon 10 codons downstream. This variant is expected to result in nonsense mediated decay, truncation, or a dysfunctional protein product. This variant is rare in the general population with a frequency below the threshold expected for the associated phenotype(s). Given the available evidence, this variant is classified as Likely Pathogenic.

Genome-Nilou Lab
Classification: Likely pathogenic for Charlevoix-Saguenay spastic ataxia. Last evaluated: 2021-09-05. Review status: criteria provided, single submitter. Criteria: ACMG Guidelines, 2015. Collection method: clinical testing. Allele origin: germline. Affected: no.

Labcorp Genetics (formerly Invitae), Labcorp
Classification: Pathogenic for Spastic paraplegia. Last evaluated: 2019-07-06. Review status: criteria provided, single submitter. Criteria: Invitae Variant Classification Sherloc (09022015). Collection method: clinical testing. Allele origin: germline.
Comment: This sequence change results in a premature translational stop signal in the SACS gene (p.Asn2615Ilefs*10). While this is not anticipated to result in nonsense mediated decay, it is expected to disrupt the last 1,965 amino acids of the SACS protein. This variant is present in population databases (rs758572409, ExAC 0.002%). This variant has not been reported in the literature in individuals with SACS-related conditions. ClinVar contains an entry for this variant (Variation ID: 371485). This variant disrupts the C-terminus of the SACS protein. A different truncation (p.Arg3903*) that lies downstream of this variant has been determined to be pathogenic (PMID: 19892370, 21745802). This suggests that deletion of this region of the SACS protein is causative of disease. For these reasons, this variant has been classified as Pathogenic.

Counsyl
Classification: Likely pathogenic for Charlevoix-Saguenay spastic ataxia. Last evaluated: 2016-10-04. Review status: no assertion criteria provided. Collection method: clinical testing. Allele origin: unknown. Not counted in ClinVar's aggregate classification.

Literature cited by the submitters: PubMed 19892370 (cited by Labcorp Genetics (formerly Invitae), Labcorp); PubMed 21745802 (cited by Labcorp Genetics (formerly Invitae), Labcorp).